The following is an entry in ClinVar:

ClinVar aggregate classification (germline): Uncertain significance (1 of 4 stars; one submission).

Submission:

GeneDx
Classification: Uncertain significance. Last evaluated: 2024-03-24. Review status: criteria provided, single submitter. Criteria: GeneDx Variant Classification Process June 2021. Collection method: clinical testing. Allele origin: germline. Affected: yes.
Comment: Not observed at significant frequency in large population cohorts (gnomAD); In silico analysis supports that this missense variant does not alter protein structure/function; Has not been previously published as pathogenic or benign to our knowledge

NM_182641.4(BPTF):c.1861G>C (p.Glu621Gln)

Gene: BPTF (bromodomain PHD finger transcription factor; plus strand). Cytogenetic location: 17q24.2.
Variant type: single nucleotide variant.
Coding change: c.1861G>C on transcript NM_182641.4 (MANE Select); coding-DNA position 1861, G replaced by C.
Protein change: p.Glu621Gln; replaces glutamic acid 621 with glutamine.
Molecular consequence: missense variant.
Genome position (GRCh38, 1-based): chr17:67,875,017, G>C. VCF-style: chr17-67875017-G-C. GRCh37 (hg19) VCF-style: chr17-65871133-G-C.
Other names: c.1861G>C, p.Glu621Gln (NM_004459.7); short protein forms E621Q.
Identifiers: ClinVar variation 3371506 (VCV003371506.1).